The following is an entry in ClinVar:

NM_173849.3(GSC):c.539A>G (p.Gln180Arg)

Gene: GSC (goosecoid homeobox; minus strand). Cytogenetic location: 14q32.13.
Variant type: single nucleotide variant.
Coding change: c.539A>G on transcript NM_173849.3 (MANE Select); coding-DNA position 539, A replaced by G.
Protein change: p.Gln180Arg; replaces glutamine 180 with arginine.
Molecular consequence: missense variant.
Genome position (GRCh38, 1-based): chr14:94,769,034, T>C on the plus strand (A>G on the coding strand, the complement: GSC is on the minus strand). VCF-style: chr14-94769034-T-C. GRCh37 (hg19) VCF-style: chr14-95235371-T-C.
Other names: short protein forms Q180R.
Identifiers: ClinVar variation 2691571 (VCV002691571.1), dbSNP rs2503560924, ClinGen allele CA391148255.

ClinVar aggregate classification (germline): Uncertain significance (1 of 4 stars; one submission).

Allele frequency attached by ClinVar (database versions not stated): gnomAD exomes below 0.00001.

Submission:

Women's Health and Genetics/Laboratory Corporation of America, LabCorp
Classification: Uncertain significance. Last evaluated: 2023-12-08. Review status: criteria provided, single submitter. Criteria: LabCorp Variant Classification Summary - May 2015. Collection method: clinical testing. Allele origin: germline.
Comment: Variant summary: GSC c.539A>G (p.Gln180Arg) results in a conservative amino acid change located in the Homeobox domain (IPR001356) of the encoded protein sequence. Three of five in-silico tools predict a damaging effect of the variant on protein function. The frequency data for this variant in gnomAD is considered unreliable, as metrics indicate poor data quality at this position. To our knowledge, no occurrence of c.539A>G in individuals affected with Short Stature-Auditory Canal Atresia-Mandibular Hypoplasia-Skeletal Anomalies Syndrome and no experimental evidence demonstrating its impact on protein function have been reported. No submitters have cited clinical-significance assessments for this variant to ClinVar after 2014. Based on the evidence outlined above, the variant was classified as uncertain significance.